The following is an entry in ClinVar:

NM_002485.5(NBN):c.391G>C (p.Ala131Pro)

Gene: NBN (nibrin; minus strand). Cytogenetic location: 8q21.3.
Variant type: single nucleotide variant.
Coding change: c.391G>C on transcript NM_002485.5 (MANE Select); coding-DNA position 391, G replaced by C.
Protein change: p.Ala131Pro; replaces alanine 131 with proline.
Molecular consequence: missense variant.
Genome position (GRCh38, 1-based): chr8:89,980,823, C>G on the plus strand (G>C on the coding strand, the complement: NBN is on the minus strand). VCF-style: chr8-89980823-C-G. GRCh37 (hg19) VCF-style: chr8-90993051-C-G.
Other names: c.145G>C, p.Ala49Pro (NM_001024688.3); short protein forms A131P, A49P.
Identifiers: ClinVar variation 2839434 (VCV002839434.3), dbSNP rs2129909719, ClinGen allele CA371661947.

ClinVar aggregate classification (germline): Uncertain significance (1 of 4 stars; one submission).

Conditions:
Microcephaly, normal intelligence and immunodeficiency (NBS). Also called: Nijmegen breakage syndrome; Microcephaly with normal intelligence immunodeficiency and lymphoreticular malignancies; Nonsyndromal microcephaly autosomal recessive with normal intelligence; Seemanova syndrome 2; BERLIN BREAKAGE SYNDROME; IMMUNODEFICIENCY, MICROCEPHALY, AND CHROMOSOMAL INSTABILITY. Identifiers: Orphanet 647, MedGen C0398791, MONDO:0009623, OMIM 251260.

Submission:

Labcorp Genetics (formerly Invitae), Labcorp
Classification: Uncertain significance for Microcephaly, normal intelligence and immunodeficiency. Last evaluated: 2023-02-21. Review status: criteria provided, single submitter. Criteria: Invitae Variant Classification Sherloc (09022015). Collection method: clinical testing. Allele origin: germline.
Comment: In summary, the available evidence is currently insufficient to determine the role of this variant in disease. Therefore, it has been classified as a Variant of Uncertain Significance. An algorithm developed to predict the effect of missense changes on protein structure and function (PolyPhen-2) suggests that this variant is likely to be tolerated. This variant has not been reported in the literature in individuals affected with NBN-related conditions. This variant is not present in population databases (gnomAD no frequency). This sequence change replaces alanine, which is neutral and non-polar, with proline, which is neutral and non-polar, at codon 131 of the NBN protein (p.Ala131Pro).